The following is an entry in ClinVar:

ClinVar aggregate classification (germline): Uncertain significance (0 of 4 stars; one submission).

Conditions:
PCNT-related disorder. Also called: PCNT-related condition.

Allele frequency attached by ClinVar (database versions not stated): ExAC 0.00003; gnomAD exomes 0.00007.
gnomAD v4.1: 97 of 1,612,432 alleles (0.006%); highest among the groups gnomAD compares: South Asian, 0.018%; no homozygotes.

Submission:

PreventionGenetics, part of Exact Sciences
Classification: Uncertain significance for PCNT-related condition. Last evaluated: 2024-02-06. Review status: no assertion criteria provided. Collection method: clinical testing. Allele origin: germline.
Comment: The PCNT c.7529G>A variant is predicted to result in the amino acid substitution p.Arg2510His. To our knowledge, this variant has not been reported in the literature. This variant is reported in 0.013% of alleles in individuals of South Asian descent in gnomAD. At this time, the clinical significance of this variant is uncertain due to the absence of conclusive functional and genetic evidence.

NM_006031.6(PCNT):c.7529G>A (p.Arg2510His)

Gene: PCNT (pericentrin; plus strand). Cytogenetic location: 21q22.3.
Variant type: single nucleotide variant.
Coding change: c.7529G>A on transcript NM_006031.6 (MANE Select); coding-DNA position 7529, G replaced by A.
Protein change: p.Arg2510His; replaces arginine 2510 with histidine.
Molecular consequence: missense variant.
Genome position (GRCh38, 1-based): chr21:46,428,429, G>A. VCF-style: chr21-46428429-G-A. GRCh37 (hg19) VCF-style: chr21-47848343-G-A.
Other names: c.7175G>A, p.Arg2392His (NM_001315529.2); short protein forms R2392H, R2510H.
Identifiers: ClinVar variation 3054751 (VCV003054751.2), dbSNP rs776343024, ClinGen allele CA10080699.
Genomic context (GRCh38, chr21:46,428,429, plus strand): 5'-GGCTGCTTGTCCCATTGTGCCCCCAGGGAGACCTGCAGGAAAAGTCCCTGGAGCATCTTC[G>A]CTTGCCGGACCGGAGCAGCCTGCTGTCCGAGATCCAGGCGCTGCGTGCCCAGCTGCGCAT-3'
Protein context (NP_006022.3, residues 2500-2520): DLQEKSLEHL[Arg2510His]LPDRSSLLSE